The following is an entry in ClinVar:

ClinVar aggregate classification (germline): Uncertain significance. Review status: criteria provided, multiple submitters, no conflicts (2 of 4 stars). 2 submissions from 2 submitters: Uncertain significance (2). Last evaluated 2025-10-22.

Conditions:
Immunodeficiency 39 (IMD39). Identifiers: Orphanet 574918, MedGen C4225358, MONDO:0014597, OMIM 616345.

Allele frequency attached by ClinVar (database versions not stated): ExAC 0.00001; TOPMed 0.00002.

Submissions (2):

Labcorp Genetics (formerly Invitae), Labcorp
Classification: Uncertain significance for Immunodeficiency 39. Last evaluated: 2025-10-22. Review status: criteria provided, single submitter. Criteria: Invitae Variant Classification Sherloc (09022015). Collection method: clinical testing. Allele origin: germline.
Comment: This sequence change replaces arginine, which is basic and polar, with tryptophan, which is neutral and slightly polar, at codon 382 of the IRF7 protein (p.Arg382Trp). This variant is present in population databases (rs779495519, gnomAD 0.02%). This variant has not been reported in the literature in individuals affected with IRF7-related conditions. ClinVar contains an entry for this variant (Variation ID: 660435). Invitae Evidence Modeling of protein sequence and biophysical properties (such as structural, functional, and spatial information, amino acid conservation, physicochemical variation, residue mobility, and thermodynamic stability) indicates that this missense variant is not expected to disrupt IRF7 protein function with a negative predictive value of 80%. In summary, the available evidence is currently insufficient to determine the role of this variant in disease. Therefore, it has been classified as a Variant of Uncertain Significance.

Ambry Genetics
Classification: Uncertain significance. Last evaluated: 2024-12-10. Review status: criteria provided, single submitter. Criteria: Ambry Variant Classification Scheme 2023. Collection method: clinical testing. Allele origin: germline.

NM_001572.5(IRF7):c.1105C>T (p.Arg369Trp)

Gene: IRF7 (interferon regulatory factor 7; minus strand). Cytogenetic location: 11p15.5.
Variant type: single nucleotide variant.
Coding change: c.1105C>T on transcript NM_001572.5 (MANE Select); coding-DNA position 1105, C replaced by T.
Protein change: p.Arg369Trp; replaces arginine 369 with tryptophan.
Molecular consequence: missense variant.
Genome position (GRCh38, 1-based): chr11:613,338, G>A on the plus strand (C>T on the coding strand, the complement: IRF7 is on the minus strand). VCF-style: chr11-613338-G-A. GRCh37 (hg19) VCF-style: chr11-613338-G-A.
Other names: c.1105C>T, p.Arg369Trp (LRG_1313t1); c.1018C>T, p.Arg340Trp (NM_004029.4); c.1144C>T, p.Arg382Trp (NM_004031.4); short protein forms R340W, R369W, R382W.
Identifiers: ClinVar variation 660435 (VCV000660435.9), dbSNP rs779495519, ClinGen allele CA5783583.